The following is an entry in ClinVar:

ClinVar aggregate classification (germline): Uncertain significance (1 of 4 stars; one submission).

Conditions:
Hereditary cancer-predisposing syndrome. Also called: Neoplastic Syndromes, Hereditary; Tumor predisposition; Hereditary neoplastic syndrome; Hereditary Cancer Syndrome. Identifiers: Orphanet 140162, MedGen C0027672, MeSH D009386, MONDO:0015356.
Cardiovascular phenotype. Identifiers: MedGen CN230736.

Submission:

Ambry Genetics
Classification: Uncertain significance for Cardiovascular phenotype; Hereditary cancer-predisposing syndrome. Last evaluated: 2022-12-01. Review status: criteria provided, single submitter. Criteria: Ambry Variant Classification Scheme 2023. Collection method: clinical testing. Allele origin: germline.
Comment: The p.M1421V variant (also known as c.4261A>G), located in coding exon 31 of the NF1 gene, results from an A to G substitution at nucleotide position 4261. The methionine at codon 1421 is replaced by valine, an amino acid with highly similar properties. This amino acid position is highly conserved in available vertebrate species. In addition, this alteration is predicted to be deleterious by in silico analysis. Since supporting evidence is limited at this time, the clinical significance of this alteration remains unclear.

NM_001042492.3(NF1):c.4324A>G (p.Met1442Val)

Gene: NF1 (neurofibromin 1; plus strand). Cytogenetic location: 17q11.2.
Variant type: single nucleotide variant.
Coding change: c.4324A>G on transcript NM_001042492.3 (MANE Select); coding-DNA position 4324, A replaced by G.
Protein change: p.Met1442Val; replaces methionine 1442 with valine.
Molecular consequence: missense variant.
Genome position (GRCh38, 1-based): chr17:31,258,494, A>G. VCF-style: chr17-31258494-A-G. GRCh37 (hg19) VCF-style: chr17-29585512-A-G.
Other names: c.4261A>G, p.Met1421Val (NM_000267.4); short protein forms M1421V, M1442V.
Identifiers: ClinVar variation 2452214 (VCV002452214.2), dbSNP rs2151462196, ClinGen allele CA398998149.